The following is an entry in ClinVar:

ClinVar aggregate classification (germline): Uncertain significance (1 of 4 stars; one submission).

Allele frequency attached by ClinVar (database versions not stated): TOPMed below 0.00001.

Submission:

Labcorp Genetics (formerly Invitae), Labcorp
Classification: Uncertain significance. Last evaluated: 2022-11-14. Review status: criteria provided, single submitter. Criteria: Invitae Variant Classification Sherloc (09022015). Collection method: clinical testing. Allele origin: germline.
Comment: This sequence change falls in intron 13 of the ADCY5 gene. It does not directly change the encoded amino acid sequence of the ADCY5 protein. It affects a nucleotide within the consensus splice site. This variant is not present in population databases (gnomAD no frequency). This variant has not been reported in the literature in individuals affected with ADCY5-related conditions. Variants that disrupt the consensus splice site are a relatively common cause of aberrant splicing (PMID: 17576681, 9536098). Algorithms developed to predict the effect of sequence changes on RNA splicing suggest that this variant is not likely to affect RNA splicing. In summary, the available evidence is currently insufficient to determine the role of this variant in disease. Therefore, it has been classified as a Variant of Uncertain Significance.

Literature cited by the submitters: PubMed 17576681; PubMed 9536098.

NM_183357.3(ADCY5):c.2560-3C>T

Gene: ADCY5 (adenylate cyclase 5; minus strand). Cytogenetic location: 3q21.1.
Variant type: single nucleotide variant.
Coding change: c.2560-3C>T on transcript NM_183357.3 (MANE Select); 3 bases into the intron before coding-DNA position 2560, C replaced by T.
Molecular consequence: intron variant.
Genome position (GRCh38, 1-based): chr3:123,303,222, G>A on the plus strand (C>T on the coding strand, the complement: ADCY5 is on the minus strand). VCF-style: chr3-123303222-G-A. GRCh37 (hg19) VCF-style: chr3-123022069-G-A.
Other names: c.2560-3C>T (NM_001378259.1); c.1510-3C>T (NM_001199642.1).
Identifiers: ClinVar variation 2990613 (VCV002990613.3), dbSNP rs1365818476, ClinGen allele CA898165728.